The following is an entry in ClinVar:

NM_006904.7(PRKDC):c.6370T>A (p.Ser2124Thr)

Gene: PRKDC (protein kinase, DNA-activated, catalytic subunit; minus strand). Cytogenetic location: 8q11.21.
Variant type: single nucleotide variant.
Coding change: c.6370T>A on transcript NM_006904.7 (MANE Select); coding-DNA position 6370, T replaced by A.
Protein change: p.Ser2124Thr; replaces serine 2124 with threonine.
Molecular consequence: missense variant.
Genome position (GRCh38, 1-based): chr8:47,858,611, A>T on the plus strand (T>A on the coding strand, the complement: PRKDC is on the minus strand). VCF-style: chr8-47858611-A-T. GRCh37 (hg19) VCF-style: chr8-48771172-A-T.
Other names: c.6370T>A, p.Ser2124Thr (NM_001081640.2); short protein forms S2124T.
Identifiers: ClinVar variation 858297 (VCV000858297.7), dbSNP rs2088598886, ClinGen allele CA371160747.

ClinVar aggregate classification (germline): Uncertain significance (1 of 4 stars; one submission).

Conditions:
Severe combined immunodeficiency due to DNA-PKcs deficiency. Also called: Immunodeficiency 26 with or without neurologic abnormalities; IMMUNODEFICIENCY 26 WITH NEUROLOGIC ABNORMALITIES. Identifiers: Orphanet 317425, MedGen C4014833, MONDO:0014423, OMIM 615966.

Submission:

Labcorp Genetics (formerly Invitae), Labcorp
Classification: Uncertain significance for Severe combined immunodeficiency due to DNA-PKcs deficiency. Last evaluated: 2025-01-13. Review status: criteria provided, single submitter. Criteria: Invitae Variant Classification Sherloc (09022015). Collection method: clinical testing. Allele origin: germline.
Comment: This sequence change replaces serine, which is neutral and polar, with threonine, which is neutral and polar, at codon 2124 of the PRKDC protein (p.Ser2124Thr). This variant is not present in population databases (gnomAD no frequency). This variant has not been reported in the literature in individuals affected with PRKDC-related conditions. ClinVar contains an entry for this variant (Variation ID: 858297). Invitae Evidence Modeling of protein sequence and biophysical properties (such as structural, functional, and spatial information, amino acid conservation, physicochemical variation, residue mobility, and thermodynamic stability) indicates that this missense variant is not expected to disrupt PRKDC protein function with a negative predictive value of 80%. In summary, the available evidence is currently insufficient to determine the role of this variant in disease. Therefore, it has been classified as a Variant of Uncertain Significance.